The following is an entry in ClinVar:

NM_001008537.3(NEXMIF):c.2308A>G (p.Ser770Gly)

Gene: NEXMIF (neurite extension and migration factor; minus strand). Cytogenetic location: Xq13.3.
Variant type: single nucleotide variant.
Coding change: c.2308A>G on transcript NM_001008537.3 (MANE Select); coding-DNA position 2308, A replaced by G.
Protein change: p.Ser770Gly; replaces serine 770 with glycine.
Molecular consequence: missense variant.
Genome position (GRCh38, 1-based): chrX:74,742,249, T>C on the plus strand (A>G on the coding strand, the complement: NEXMIF is on the minus strand). VCF-style: chrX-74742249-T-C. GRCh37 (hg19) VCF-style: chrX-73962084-T-C.
Other names: short protein forms S770G.
Identifiers: ClinVar variation 4690188 (VCV004690188.1).

ClinVar aggregate classification (germline): Uncertain significance (1 of 4 stars; one submission).

Submission:

GeneDx
Classification: Uncertain significance. Last evaluated: 2025-08-01. Review status: criteria provided, single submitter. Criteria: GeneDx Variant Classification Process June 2021. Collection method: clinical testing. Allele origin: germline. Affected: yes.
Comment: Not observed at significant frequency in large population cohorts (gnomAD); In silico analysis suggests that this missense variant does not alter protein structure/function; Has not been previously published as pathogenic or benign to our knowledge